The following is an entry in ClinVar:

ClinVar aggregate classification (germline): Uncertain significance (1 of 4 stars; one submission).

Conditions:
CEP290-related disorder. Also called: CEP290-related condition; CEP290-related disorders. Identifiers: MedGen CN239314.

Submission:

PreventionGenetics, part of Exact Sciences
Classification: Uncertain significance for CEP290-related condition. Last evaluated: 2026-01-21. Review status: criteria provided, single submitter. Criteria: ACMG Guidelines, 2015. Collection method: clinical testing. Allele origin: germline.
Comment: The CEP290 c.4080_4085del6 variant is predicted to result in an in-frame deletion (p.Lys1360_Leu1361del). To our knowledge, this variant has not been reported in the literature or in a large population database (gnomAD), indicating this variant is rare. At this time, the clinical significance of this variant is uncertain due to the absence of conclusive functional and genetic evidence.

NM_025114.4(CEP290):c.4080_4085del (p.Lys1360_Leu1361del)

Gene: CEP290 (centrosomal protein 290; minus strand). Cytogenetic location: 12q21.32.
Variant type: Deletion.
Coding change: c.4080_4085del on transcript NM_025114.4 (MANE Select); coding-DNA positions 4080 to 4085, 6 bases deleted (ACTAAA; older notation c.4080_4085delACTAAA).
Protein change: p.Lys1360_Leu1361del.
Molecular consequence: inframe deletion.
Genome position (GRCh38, 1-based): chr12:88,087,889-88,087,894, TTTAGT deleted on the plus strand (ACTAAA on the coding strand, the reverse complement: CEP290 is on the minus strand); deleting any 6 consecutive bases within chr12:88,087,889-88,087,896 gives the same sequence; the c. name uses the placement nearest the transcript's 3' end. VCF-style (leftmost placement, unchanged base first): chr12-88087888-ATTTAGT-A. GRCh37 (hg19) VCF-style: chr12-88481665-ATTTAGT-A.
Identifiers: ClinVar variation 4979587 (VCV004979587.1).